The following is an entry in ClinVar:

ClinVar aggregate classification (germline): Pathogenic (1 of 4 stars; one submission).

Conditions:
Deficiency of alpha-mannosidase (MANSA). Also called: LYSOSOMAL ALPHA-D-MANNOSIDASE DEFICIENCY; Alpha-Mannosidosis; Mannosidosis, alpha-, types I and II. Identifiers: Orphanet 61, MedGen C0024748, MONDO:0009561, OMIM 248500.

Submission:

Myriad Genetics, Inc.
Classification: Pathogenic for Deficiency of alpha-mannosidase. Last evaluated: 2023-12-06. Review status: criteria provided, single submitter. Criteria: Myriad Autosomal Dominant, Autosomal Recessive and X-Linked Classification Criteria (2023). Collection method: clinical testing. Allele origin: unknown.
Comment: NM_000528.3(MAN2B1):c.2702_2706del5ins3(H901Rfs*29) is expected to be pathogenic in the context of alpha-mannosidosis. This variant is predicted to lead to an abnormal or absent protein product due to the creation of a premature termination codon in MAN2B1, a gene where loss-of-function variants are known to be pathogenic. Please note: this variant was assessed in the context of healthy population screening.

NM_000528.4(MAN2B1):c.2702_2706delinsGGC (p.His901fs)

Genes: MAN2B1 (mannosidase alpha class 2B member 1; minus strand), LOC130063648 (ATAC-STARR-seq lymphoblastoid active region 14063; plus strand). Cytogenetic location: 19p13.13.
Variant type: Indel.
Coding change: c.2702_2706delinsGGC on transcript NM_000528.4 (MANE Select); coding-DNA positions 2702 to 2706, ACCTG replaced by GGC.
Protein change: p.His901fs; shifts the reading frame from histidine 901.
Molecular consequence: frameshift variant.
Genome position (GRCh38, 1-based): chr19:12,647,557-12,647,561, CAGGT replaced by GCC on the plus strand (ACCTG replaced by GGC on the coding strand, the reverse complement: MAN2B1 is on the minus strand). VCF-style: chr19-12647557-CAGGT-GCC. GRCh37 (hg19) VCF-style: chr19-12758371-CAGGT-GCC.
Other names: c.2699_2703delinsGGC, p.His900fs (NM_001173498.2); c.2705_2709delinsGGC, p.His902fs (NM_001440570.1); short protein forms H900fs, H901fs, H902fs.
Identifiers: ClinVar variation 5012542 (VCV005012542.1).